The following is an entry in ClinVar:

ClinVar aggregate classification (germline): Pathogenic (1 of 4 stars; one submission).

Conditions:
Familial thoracic aortic aneurysm and aortic dissection (TAAD). Also called: Thoracic aortic aneurysms and dissections. Identifiers: Orphanet 91387, MedGen C4707243, MONDO:0019625.
Hereditary cancer-predisposing syndrome. Also called: Neoplastic Syndromes, Hereditary; Tumor predisposition; Hereditary Cancer Syndrome; Hereditary neoplastic syndrome. Identifiers: Orphanet 140162, MedGen C0027672, MeSH D009386, MONDO:0015356.

Submission:

Ambry Genetics
Classification: Pathogenic for Hereditary cancer-predisposing syndrome; Familial thoracic aortic aneurysm and aortic dissection. Last evaluated: 2018-02-20. Review status: criteria provided, single submitter. Criteria: Ambry Variant Classification Scheme 2023. Collection method: clinical testing. Allele origin: germline.
Comment: The c.633dupT pathogenic mutation, located in coding exon 4 of the SMAD4 gene, results from a duplication of T at nucleotide position 633, causing a translational frameshift with a predicted alternate stop codon (p.A212Cfs*23). This alteration is expected to result in loss of function by premature protein truncation or nonsense-mediated mRNA decay. As such, this alteration is interpreted as a disease-causing mutation.

NM_005359.6(SMAD4):c.633dup (p.Ala212fs)

Gene: SMAD4 (SMAD family member 4; plus strand). Cytogenetic location: 18q21.2.
Variant type: Duplication.
Coding change: c.633dup on transcript NM_005359.6 (MANE Select); coding-DNA position 633, one base duplicated (T; older notation c.633dupT).
Protein change: p.Ala212fs; shifts the reading frame from alanine 212.
Molecular consequence: frameshift variant.
Genome position (GRCh38, 1-based): chr18:51,054,959, T duplicated. VCF-style (leftmost placement, unchanged base first): chr18-51054958-C-CT. GRCh37 (hg19) VCF-style: chr18-48581328-C-CT.
Other names: c.633dup, p.Ala212Cysfs (NM_001407041.1, NM_001407042.1, NM_001407043.1); c.633dupT (NM_005359.5); short protein forms A212fs.
Identifiers: ClinVar variation 1752947 (VCV001752947.2), dbSNP rs2511374731, ClinGen allele CA2580095894.